The following is an entry in ClinVar:

ClinVar aggregate classification (germline): Uncertain significance. Review status: criteria provided, multiple submitters, no conflicts (2 of 4 stars). 3 submissions from 3 submitters: Uncertain significance (3). Last evaluated 2024-02-27.

Conditions:
Cone-rod dystrophy 6 (CORD6). Also called: RETINAL CONE DYSTROPHY 2; Cone dystrophy progressive. Identifiers: Orphanet 1872, MedGen C1866293, MONDO:0011143, OMIM 601777.
Leber congenital amaurosis 1 (LCA1). Also called: Congenital absence of the rods and cones; Leber's congenital tapetoretinal degeneration; Leber's congenital tapetoretinal dysplasia; RETINAL BLINDNESS, CONGENITAL; AMAUROSIS CONGENITA OF LEBER I. Identifiers: Orphanet 65, MedGen C2931258, MONDO:0008764, OMIM 204000.
Inborn genetic diseases. Identifiers: MedGen C0950123, MeSH D030342.

Allele frequency attached by ClinVar (database versions not stated): TOPMed 0.00003.
gnomAD v4.1: 7 of 1,614,000 alleles (0.00043%); highest among the groups gnomAD compares: African/African-American, 0.008%; no homozygotes.

Submissions (3):

Ambry Genetics
Classification: Uncertain significance for Inborn genetic diseases. Last evaluated: 2024-02-27. Review status: criteria provided, single submitter. Criteria: Ambry Variant Classification Scheme 2023. Collection method: clinical testing. Allele origin: germline.

Labcorp Genetics (formerly Invitae), Labcorp
Classification: Uncertain significance for Leber congenital amaurosis 1; Cone-rod dystrophy 6. Last evaluated: 2021-08-27. Review status: criteria provided, single submitter. Criteria: Invitae Variant Classification Sherloc (09022015). Collection method: clinical testing. Allele origin: germline.
Comment: This sequence change replaces threonine with lysine at codon 867 of the GUCY2D protein (p.Thr867Lys). The threonine residue is weakly conserved and there is a moderate physicochemical difference between threonine and lysine. This variant is not present in population databases (ExAC no frequency). This variant has not been reported in the literature in individuals affected with GUCY2D-related conditions. Algorithms developed to predict the effect of missense changes on protein structure and function are either unavailable or do not agree on the potential impact of this missense change (SIFT: "Deleterious"; PolyPhen-2: "Benign"; Align-GVGD: "Class C0"). In summary, the available evidence is currently insufficient to determine the role of this variant in disease. Therefore, it has been classified as a Variant of Uncertain Significance.

Blueprint Genetics
Classification: Uncertain significance. Last evaluated: 2019-08-15. Review status: criteria provided, single submitter. Criteria: ACMG Guidelines, 2015. Collection method: clinical testing. Allele origin: germline.

NM_000180.4(GUCY2D):c.2600C>A (p.Thr867Lys)

Gene: GUCY2D (guanylate cyclase 2D, retinal; plus strand). Cytogenetic location: 17p13.1.
Variant type: single nucleotide variant.
Coding change: c.2600C>A on transcript NM_000180.4 (MANE Select); coding-DNA position 2600, C replaced by A.
Protein change: p.Thr867Lys; replaces threonine 867 with lysine.
Molecular consequence: missense variant.
Genome position (GRCh38, 1-based): chr17:8,014,882, C>A. VCF-style: chr17-8014882-C-A. GRCh37 (hg19) VCF-style: chr17-7918200-C-A.
Other names: c.2600C>A (NM_000180.3); short protein forms T867K.
Identifiers: ClinVar variation 1043952 (VCV001043952.8), dbSNP rs375727197, ClinGen allele CA287533246.